The following is an entry in ClinVar:

ClinVar aggregate classification (germline): Uncertain significance (1 of 4 stars; one submission).

Submission:

Labcorp Genetics (formerly Invitae), Labcorp
Classification: Uncertain significance. Last evaluated: 2022-08-23. Review status: criteria provided, single submitter. Criteria: Invitae Variant Classification Sherloc (09022015). Collection method: clinical testing. Allele origin: germline.
Comment: Experimental studies and prediction algorithms are not available or were not evaluated, and the functional significance of this variant is currently unknown. This variant has not been reported in the literature in individuals affected with REST-related conditions. This variant is not present in population databases (gnomAD no frequency). This variant, c.2307_2354del, results in the deletion of 16 amino acid(s) of the REST protein (p.Ile769_Pro784del), but otherwise preserves the integrity of the reading frame. In summary, the available evidence is currently insufficient to determine the role of this variant in disease. Therefore, it has been classified as a Variant of Uncertain Significance.

NM_005612.5(REST):c.2307_2354del (p.Ile769_Pro784del)

Gene: REST (RE1 silencing transcription factor; plus strand). Cytogenetic location: 4q12.
Variant type: Deletion.
Coding change: c.2307_2354del on transcript NM_005612.5 (MANE Select); coding-DNA positions 2307 to 2354, 48 bases deleted.
Protein change: p.Ile769_Pro784del.
Molecular consequence: inframe deletion. On other transcripts: inframe indel (2).
Genome position (GRCh38, 1-based): chr4:56,931,165-56,931,212, 48 bases deleted; deleting any 48 consecutive bases within chr4:56,931,152-56,931,212 gives the same sequence; the c. name uses the placement nearest the transcript's 3' end. GRCh37 (hg19): chr4:57,797,331-57,797,378.
Other names: c.2307_2354del48, p.Ile769_Pro784del (NM_001193508.2, NM_001363453.3).
Identifiers: ClinVar variation 2188562 (VCV002188562.4), dbSNP rs1182163986, ClinGen allele CA552144874.